The following is an entry in ClinVar:

NM_001378454.1(ALMS1):c.11642_11643insGTTA (p.His3881fs)

Gene: ALMS1 (ALMS1 centrosome and basal body associated protein; plus strand). Cytogenetic location: 2p13.1.
Variant type: Insertion.
Coding change: c.11642_11643insGTTA on transcript NM_001378454.1 (MANE Select); coding-DNA positions 11642 to 11643, GTTA inserted.
Protein change: p.His3881fs; shifts the reading frame from histidine 3881.
Molecular consequence: frameshift variant.
Genome position: GRCh38 VCF-style: chr2-73599494-C-CAGTT. GRCh37 (hg19) VCF-style: chr2-73826621-C-CAGTT.
Other names: c.11645_11646insGTTA, p.His3882fs (NM_015120.4); short protein forms H3882fs, H3881fs.
Identifiers: ClinVar variation 4985704 (VCV004985704.1).

ClinVar aggregate classification (germline): Pathogenic (1 of 4 stars; one submission).

Conditions:
ALMS1-related disorder. Also called: ALMS1-related condition.

Submission:

PreventionGenetics, part of Exact Sciences
Classification: Pathogenic for ALMS1-related condition. Last evaluated: 2025-06-17. Review status: criteria provided, single submitter. Criteria: ACMG Guidelines, 2015. Collection method: clinical testing. Allele origin: germline.
Comment: The ALMS1 c.11645_11646insGTTA variant is predicted to result in a frameshift and premature protein termination (p.Asn3883Leufs*9). This variant is alternatively referred to as c.11651_11652insGTTA in the literature. It has been reported along with a second ALMS1 variant in individuals with Alström syndrome (see for example: Nadol et al. 2015. PubMed ID: 26111748; reported as p.Asn3885Leufs*9 in Citton et al. 2016. PubMed ID: 26704672; Brofferio et al. 2017. PubMed ID: 28610912; Table S2, Zampaglione et al. 2020. PubMed ID: 32037395). This variant is reported in 0.0027% of alleles in individuals of European (non-Finnish) descent in gnomAD. Frameshift variants in ALMS1 are expected to be pathogenic. This variant is interpreted as pathogenic.